The following is an entry in ClinVar:

ClinVar aggregate classification (germline): Likely benign. Review status: criteria provided, multiple submitters, no conflicts (2 of 4 stars). 2 submissions from 2 submitters: Likely benign (2). Last evaluated 2023-10-17.

Submissions (2):

Labcorp Genetics (formerly Invitae), Labcorp
Classification: Likely benign. Last evaluated: 2023-10-17. Review status: criteria provided, single submitter. Criteria: Invitae Variant Classification Sherloc (09022015). Collection method: clinical testing. Allele origin: germline.

GeneDx
Classification: Likely benign. Last evaluated: 2018-05-16. Review status: criteria provided, single submitter. Criteria: GeneDx Variant Classification (06012015). Collection method: clinical testing. Allele origin: germline. Affected: yes.
Comment: This variant is considered likely benign or benign based on one or more of the following criteria: it is a conservative change, it occurs at a poorly conserved position in the protein, it is predicted to be benign by multiple in silico algorithms, and/or has population frequency not consistent with disease.

NM_000391.4(TPP1):c.17+17G>A

Gene: TPP1 (tripeptidyl peptidase 1; minus strand). Cytogenetic location: 11p15.4.
Variant type: single nucleotide variant.
Coding change: c.17+17G>A on transcript NM_000391.4 (MANE Select); 17 bases into the intron after coding-DNA position 17, G replaced by A.
Molecular consequence: intron variant.
Genome position (GRCh38, 1-based): chr11:6,619,367, C>T on the plus strand (G>A on the coding strand, the complement: TPP1 is on the minus strand). VCF-style: chr11-6619367-C-T. GRCh37 (hg19) VCF-style: chr11-6640598-C-T.
Identifiers: ClinVar variation 668533 (VCV000668533.4), dbSNP rs1589949703, ClinGen allele CA472776003.
Genomic context (GRCh38, chr11:6,619,367, plus strand): 5'-GTCCTTGTGTTCCCACCCTCCCAATGTGTGCTCCCTCCAACGTGATCCCTTTCTCCCGAG[C>T]CCTCTCAATTTCTCACCAGGCTTGGAGTCCCATTCTGCCCTTCCGCGGATCTGCTGTCAT-3'